The following is an entry in ClinVar:

NM_198282.4(STING1):c.461A>G (p.Asn154Ser)

Gene: STING1 (stimulator of interferon response cGAMP interactor 1; minus strand). Cytogenetic location: 5q31.2.
Variant type: single nucleotide variant.
Coding change: c.461A>G on transcript NM_198282.4 (MANE Select); coding-DNA position 461, A replaced by G.
Protein change: p.Asn154Ser; replaces asparagine 154 with serine.
Molecular consequence: missense variant.
Genome position (GRCh38, 1-based): chr5:139,480,849, T>C on the plus strand (A>G on the coding strand, the complement: STING1 is on the minus strand). VCF-style: chr5-139480849-T-C. GRCh37 (hg19) VCF-style: chr5-138860434-T-C.
Other names: c.461A>G, p.Asn154Ser (NM_001301738.2); c.104A>G, p.Asn35Ser (NM_001367258.1); short protein forms N154S, N35S.
Identifiers: ClinVar variation 143861 (VCV000143861.13), dbSNP rs587777609, ClinGen allele CA170516.

ClinVar aggregate classification (germline): Pathogenic. Review status: criteria provided, single submitter (1 of 4 stars). 3 submissions from 3 submitters: Pathogenic (1). 2 of the submissions do not count toward it. Last evaluated 2026-01-26.

Conditions:
STING-associated vasculopathy with onset in infancy. Also called: Sting-associated vasculopathy, infantile-onset. Identifiers: Orphanet 425120, MedGen C4014722, MONDO:0014405, OMIM 615934.

Submissions (3):

Labcorp Genetics (formerly Invitae), Labcorp
Classification: Pathogenic for STING-associated vasculopathy with onset in infancy. Last evaluated: 2026-01-26. Review status: criteria provided, single submitter. Criteria: Invitae Variant Classification Sherloc (09022015). Collection method: clinical testing. Allele origin: germline.
Comment: This sequence change replaces asparagine, which is neutral and polar, with serine, which is neutral and polar, at codon 154 of the TMEM173 protein (p.Asn154Ser). This variant is not present in population databases (gnomAD no frequency). This missense change has been observed in individual(s) with STING-associated vasculopathy with onset in infancy (PMID: 25029335, 30794020). In at least one individual the variant was observed to be de novo. ClinVar contains an entry for this variant (Variation ID: 143861). Invitae Evidence Modeling of protein sequence and biophysical properties (such as structural, functional, and spatial information, amino acid conservation, physicochemical variation, residue mobility, and thermodynamic stability) indicates that this missense variant is expected to disrupt TMEM173 protein function with a positive predictive value of 80%. Experimental studies have shown that this missense change affects TMEM173 function (PMID: 25029335, 30463976). For these reasons, this variant has been classified as Pathogenic.

Clinic of Clinical Immunology with Stem Cell Bank, Expert Centre for Rare Diseases - PID, University Hospital "Alexandrovska"
Classification: Pathogenic for STING-associated vasculopathy with onset in infancy. Last evaluated: 2022-05-01. Review status: no assertion criteria provided. Collection method: clinical testing. Allele origin: germline. Affected: yes. Not counted in ClinVar's aggregate classification.

OMIM
Classification: Pathogenic for STING-ASSOCIATED VASCULOPATHY, INFANTILE-ONSET. Last evaluated: 2014-08-07. Review status: no assertion criteria provided. Collection method: literature only. Allele origin: unknown. Not counted in ClinVar's aggregate classification.

Literature cited by the submitters: PubMed 25029335 (cited by Labcorp Genetics (formerly Invitae), Labcorp and OMIM); PubMed 30794020 (cited by Labcorp Genetics (formerly Invitae), Labcorp); PubMed 30463976 (cited by Labcorp Genetics (formerly Invitae), Labcorp).